The following is an entry in ClinVar:

NM_000171.4(GLRA1):c.525G>A (p.Met175Ile)

Gene: GLRA1 (glycine receptor alpha 1; minus strand). Cytogenetic location: 5q33.1.
Variant type: single nucleotide variant.
Coding change: c.525G>A on transcript NM_000171.4 (MANE Select); coding-DNA position 525, G replaced by A.
Protein change: p.Met175Ile; replaces methionine 175 with isoleucine.
Molecular consequence: missense variant.
Genome position (GRCh38, 1-based): chr5:151,856,335, C>T on the plus strand (G>A on the coding strand, the complement: GLRA1 is on the minus strand). VCF-style: chr5-151856335-C-T. GRCh37 (hg19) VCF-style: chr5-151235896-C-T.
Other names: c.525G>A, p.Met175Ile (NM_001146040.2); c.276G>A, p.Met92Ile (NM_001292000.2); short protein forms M175I, M92I.
Identifiers: ClinVar variation 568061 (VCV000568061.11), dbSNP rs1341348939, ClinGen allele CA361840598.

ClinVar aggregate classification (germline): Uncertain significance. Review status: criteria provided, multiple submitters, no conflicts (2 of 4 stars). 2 submissions from 2 submitters: Uncertain significance (2). Last evaluated 2023-07-17.

Conditions:
Hereditary hyperekplexia. Identifiers: Orphanet 3197, MedGen C4084968, MONDO:0021022.

Allele frequency attached by ClinVar (database versions not stated): gnomAD exomes below 0.00001; TOPMed below 0.00001; gnomAD 0.00001.

Submissions (2):

Women's Health and Genetics/Laboratory Corporation of America, LabCorp
Classification: Uncertain significance. Last evaluated: 2023-07-17. Review status: criteria provided, single submitter. Criteria: LabCorp Variant Classification Summary - May 2015. Collection method: clinical testing. Allele origin: germline.
Comment: Variant summary: GLRA1 c.525G>A (p.Met175Ile) results in a conservative amino acid change located in the Neurotransmitter-gated ion-channel ligand-binding domain (IPR006202) of the encoded protein sequence. Four of five in-silico tools predict a damaging effect of the variant on protein function. The variant allele was found at a frequency of 4e-06 in 251458 control chromosomes. The available data on variant occurrences in the general population are insufficient to allow any conclusion about variant significance. To our knowledge, no occurrence of c.525G>A in individuals affected with Hyperekplexia 1 and no experimental evidence demonstrating its impact on protein function have been reported. One submitter has cited clinical-significance assessments for this variant to ClinVar after 2014 and has classified the variant as uncertain significance. Based on the evidence outlined above, the variant was classified as uncertain significance.

Labcorp Genetics (formerly Invitae), Labcorp
Classification: Uncertain significance for Hereditary hyperekplexia. Last evaluated: 2023-06-14. Review status: criteria provided, single submitter. Criteria: Invitae Variant Classification Sherloc (09022015). Collection method: clinical testing. Allele origin: germline.
Comment: This sequence change replaces methionine, which is neutral and non-polar, with isoleucine, which is neutral and non-polar, at codon 175 of the GLRA1 protein (p.Met175Ile). This variant is present in population databases (no rsID available, gnomAD 0.004%). This variant has not been reported in the literature in individuals affected with GLRA1-related conditions. ClinVar contains an entry for this variant (Variation ID: 568061). Advanced modeling of protein sequence and biophysical properties (such as structural, functional, and spatial information, amino acid conservation, physicochemical variation, residue mobility, and thermodynamic stability) performed at Invitae indicates that this missense variant is expected to disrupt GLRA1 protein function. In summary, the available evidence is currently insufficient to determine the role of this variant in disease. Therefore, it has been classified as a Variant of Uncertain Significance.